The following is an entry in ClinVar:

ClinVar aggregate classification (germline): Benign/Likely benign. Review status: criteria provided, multiple submitters, no conflicts (2 of 4 stars). 2 submissions from 2 submitters: Benign (1); Likely benign (1). Last evaluated 2022-11-15.

Conditions:
Hereditary cancer-predisposing syndrome. Also called: Tumor predisposition; Neoplastic Syndromes, Hereditary; Hereditary Cancer Syndrome; Hereditary neoplastic syndrome. Identifiers: Orphanet 140162, MedGen C0027672, MeSH D009386, MONDO:0015356.
Peutz-Jeghers syndrome (PJS). Also called: POLYPOSIS, HAMARTOMATOUS INTESTINAL; POLYPS-AND-SPOTS SYNDROME; Peutz-Jeghers polyposis; Periorificial lentiginosis syndrome. Identifiers: Orphanet 2869, MedGen C0031269, MeSH D010580, MONDO:0008280, OMIM 175200.

Allele frequency attached by ClinVar (database versions not stated): gnomAD exomes 0.00013; gnomAD 0.00138 and 0.00147; 1000 Genomes Project 30x 0.00156; 1000 Genomes Project 0.00160; TOPMed 0.00170.
gnomAD v4.1: 321 of 1,059,594 alleles (0.03%); highest among the groups gnomAD compares: African/African-American, 0.5%; no homozygotes.

Submissions (2):

Institute for Biomarker Research, Medical Diagnostic Laboratories, L.L.C.
Classification: Likely benign for Hereditary cancer-predisposing syndrome. Last evaluated: 2022-11-15. Review status: criteria provided, single submitter. Criteria: ACMG Guidelines, 2015. Collection method: clinical testing. Allele origin: germline.

Illumina Laboratory Services, Illumina
Classification: Benign for Peutz-Jeghers syndrome. Last evaluated: 2018-01-12. Review status: criteria provided, single submitter. Criteria: ICSL Variant Classification Criteria 13 December 2019. Collection method: clinical testing. Allele origin: germline.
Comment: This variant was observed in the ICSL laboratory as part of a predisposition screen in an ostensibly healthy population. It had not been previously curated by ICSL or reported in the Human Gene Mutation Database (HGMD: prior to June 1st, 2018), and was therefore a candidate for classification through an automated scoring system. Utilizing variant allele frequency, disease prevalence and penetrance estimates, and inheritance mode, an automated score was calculated to assess if this variant is too frequent to cause the disease. Based on the score and internal cut-off values, a variant classified as benign is not then subjected to further curation. The score for this variant resulted in a classification of benign for this disease.

NM_000455.5(STK11):c.*460G>A

Gene: STK11 (serine/threonine kinase 11; plus strand). Cytogenetic location: 19p13.3.
Variant type: single nucleotide variant.
Coding change: c.*460G>A on transcript NM_000455.5 (MANE Select); 460 bases downstream of the stop codon, G replaced by A.
Molecular consequence: 3 prime UTR variant.
Genome position (GRCh38, 1-based): chr19:1,228,036, G>A. VCF-style: chr19-1228036-G-A. GRCh37 (hg19) VCF-style: chr19-1228035-G-A.
Identifiers: ClinVar variation 890495 (VCV000890495.5), dbSNP rs558582150, ClinGen allele CA304035722.